The following is an entry in ClinVar:

NM_001134407.3(GRIN2A):c.2453C>A (p.Ala818Glu)

Gene: GRIN2A (glutamate ionotropic receptor NMDA type subunit 2A; minus strand). Cytogenetic location: 16p13.2.
Variant type: single nucleotide variant.
Coding change: c.2453C>A on transcript NM_001134407.3 (MANE Select); coding-DNA position 2453, C replaced by A.
Protein change: p.Ala818Glu; replaces alanine 818 with glutamic acid.
Molecular consequence: missense variant.
Genome position (GRCh38, 1-based): chr16:9,768,993, G>T on the plus strand (C>A on the coding strand, the complement: GRIN2A is on the minus strand). VCF-style: chr16-9768993-G-T. GRCh37 (hg19) VCF-style: chr16-9862850-G-T.
Other names: C2453A; c.2453C>A, p.Ala818Glu (NM_000833.5, NM_001134408.2); short protein forms A818E.
Identifiers: ClinVar variation 495226 (VCV000495226.9), dbSNP rs751455326, ClinGen allele CA394710102.

ClinVar aggregate classification (germline): Pathogenic/Likely pathogenic. Review status: criteria provided, multiple submitters, no conflicts (2 of 4 stars). 4 submissions from 4 submitters: Pathogenic (1); Likely pathogenic (3). Last evaluated 2025-01-15.

Conditions:
Landau-Kleffner syndrome (FESD). Also called: EPILEPSY, FOCAL, WITH SPEECH DISORDER AND WITH OR WITHOUT MENTAL RETARDATION; APHASIA, ACQUIRED, WITH EPILEPSY. Identifiers: Orphanet 1945, Orphanet 725, Orphanet 98818, MedGen C0282512, MONDO:0009509, OMIM 245570.

Submissions (4):

Labcorp Genetics (formerly Invitae), Labcorp
Classification: Pathogenic for Landau-Kleffner syndrome. Last evaluated: 2025-01-15. Review status: criteria provided, single submitter. Criteria: Invitae Variant Classification Sherloc (09022015). Collection method: clinical testing. Allele origin: germline.
Comment: This sequence change replaces alanine, which is neutral and non-polar, with glutamic acid, which is acidic and polar, at codon 818 of the GRIN2A protein (p.Ala818Glu). This variant is not present in population databases (gnomAD no frequency). This missense change has been observed in individual(s) with GRIN2A-related disorders (PMID: 30544257). In at least one individual the variant was observed to be de novo. ClinVar contains an entry for this variant (Variation ID: 495226). Invitae Evidence Modeling of protein sequence and biophysical properties (such as structural, functional, and spatial information, amino acid conservation, physicochemical variation, residue mobility, and thermodynamic stability) indicates that this missense variant is expected to disrupt GRIN2A protein function with a positive predictive value of 95%. For these reasons, this variant has been classified as Pathogenic.

Mendelics
Classification: Likely pathogenic for Landau-Kleffner syndrome. Last evaluated: 2019-05-28. Review status: criteria provided, single submitter. Criteria: Mendelics Assertion Criteria 2017. Collection method: clinical testing. Allele origin: unknown.

Institute of Human Genetics, University of Leipzig Medical Center
Classification: Likely pathogenic for Landau-Kleffner syndrome. Last evaluated: 2019-01-01. Review status: criteria provided, single submitter. Criteria: ACMG Guidelines, 2015. Collection method: research. Allele origin: de novo. Affected: yes.

Ambulatório de Genética Médica, Hospital Escola da Universidade Federal de Pelotas
Classification: Likely pathogenic for Landau-Kleffner syndrome. Last evaluated: 2017-12-20. Review status: criteria provided, single submitter. Criteria: ACMG Guidelines, 2015. Collection method: clinical testing. Allele origin: de novo. Inheritance: Autosomal dominant inheritance. Affected: yes. Observed: 1 variant allele, 1 heterozygote.

Literature cited by the submitters: PubMed 30544257 (cited by Labcorp Genetics (formerly Invitae), Labcorp and Institute of Human Genetics, University of Leipzig Medical Center).